The following is an entry in ClinVar:

NM_032043.3(BRIP1):c.2373T>A (p.Asp791Glu)

Gene: BRIP1 (BRCA1 interacting DNA helicase 1; minus strand). Cytogenetic location: 17q23.2.
Variant type: single nucleotide variant.
Coding change: c.2373T>A on transcript NM_032043.3 (MANE Select); coding-DNA position 2373, T replaced by A.
Protein change: p.Asp791Glu; replaces aspartic acid 791 with glutamic acid.
Molecular consequence: missense variant.
Genome position (GRCh38, 1-based): chr17:61,743,019, A>T on the plus strand (T>A on the coding strand, the complement: BRIP1 is on the minus strand). VCF-style: chr17-61743019-A-T. GRCh37 (hg19) VCF-style: chr17-59820380-A-T.
Other names: short protein forms D791E.
Identifiers: ClinVar variation 232204 (VCV000232204.16), dbSNP rs876659615, ClinGen allele CA10580806.
Genomic context (GRCh38, chr17:61,743,019, plus strand): 5'-TATACAAAACCAATGACTCCTGTAATAATAAAACTTAAGGTTTTGATGGCCTACCTGTAG[A>T]TCTTTCACATTTGGAAAAGGAATTCCTATTGTTATGACAGCACGGGCATTGTCATCTGAG-3'
Protein context (NP_114432.2, residues 781-801): TIGIPFPNVK[Asp791Glu]LQVELKRQYN

ClinVar aggregate classification (germline): Uncertain significance. Review status: criteria provided, multiple submitters, no conflicts (2 of 4 stars). 3 submissions from 3 submitters: Uncertain significance (3). Last evaluated 2026-02-02.

Conditions:
Fanconi anemia complementation group J. Also called: BRIP1-Related Fanconi Anemia. Identifiers: Orphanet 84, MedGen C1836860, MONDO:0012187, OMIM 609054.
Familial cancer of breast. Also called: Hereditary breast cancer; hereditary breast carcinoma; BREAST CANCER, FAMILIAL. Identifiers: Orphanet 227535, MedGen C0346153, MONDO:0016419, OMIM 114480. Disease mechanism: loss of function.
Hereditary cancer-predisposing syndrome. Also called: Hereditary Cancer Syndrome; Neoplastic Syndromes, Hereditary; Tumor predisposition; Hereditary neoplastic syndrome. Identifiers: Orphanet 140162, MedGen C0027672, MeSH D009386, MONDO:0015356.

Allele frequency attached by ClinVar (database versions not stated): gnomAD exomes below 0.00001.
gnomAD v4.1: 1 of 1,614,012 alleles (0.000062%); highest among the groups gnomAD compares: East Asian, 0.0022%; no homozygotes.

Submissions (3):

Labcorp Genetics (formerly Invitae), Labcorp
Classification: Uncertain significance for Familial cancer of breast; Fanconi anemia complementation group J. Last evaluated: 2026-02-02. Review status: criteria provided, single submitter. Criteria: Invitae Variant Classification Sherloc (09022015). Collection method: clinical testing. Allele origin: germline.
Comment: This sequence change replaces aspartic acid, which is acidic and polar, with glutamic acid, which is acidic and polar, at codon 791 of the BRIP1 protein (p.Asp791Glu). This variant is not present in population databases (gnomAD no frequency). This variant has not been reported in the literature in individuals affected with BRIP1-related conditions. ClinVar contains an entry for this variant (Variation ID: 232204). Invitae Evidence Modeling of protein sequence and biophysical properties (such as structural, functional, and spatial information, amino acid conservation, physicochemical variation, residue mobility, and thermodynamic stability) indicates that this missense variant is not expected to disrupt BRIP1 protein function with a negative predictive value of 95%. In summary, the available evidence is currently insufficient to determine the role of this variant in disease. Therefore, it has been classified as a Variant of Uncertain Significance.

Women's Health and Genetics/Laboratory Corporation of America, LabCorp
Classification: Uncertain significance. Last evaluated: 2025-02-06. Review status: criteria provided, single submitter. Criteria: LabCorp Variant Classification Summary - May 2015. Collection method: clinical testing. Allele origin: germline.

Ambry Genetics
Classification: Uncertain significance for Hereditary cancer-predisposing syndrome. Last evaluated: 2024-11-18. Review status: criteria provided, single submitter. Criteria: Ambry Variant Classification Scheme 2023. Collection method: clinical testing. Allele origin: germline.
Comment: The p.D791E variant (also known as c.2373T>A), located in coding exon 15 of the BRIP1 gene, results from a T to A substitution at nucleotide position 2373. The aspartic acid at codon 791 is replaced by glutamic acid, an amino acid with highly similar properties. This amino acid position is highly conserved in available vertebrate species. In addition, this alteration is predicted to be deleterious by in silico analysis. Since supporting evidence is limited at this time, the clinical significance of this alteration remains unclear.